The following is an entry in ClinVar:

ClinVar aggregate classification (germline): Uncertain significance (1 of 4 stars; one submission).

Conditions:
Gorlin syndrome. Also called: Basal cell nevus syndrome; Nevoid Basal Cell Carcinoma Syndrome. Identifiers: Orphanet 377, MedGen C0004779, MONDO:0007187.

gnomAD v4.1: 1 of 1,613,706 alleles (0.000062%); highest among the groups gnomAD compares: Non-Finnish European, 0.000085%; no homozygotes.

Submission:

Labcorp Genetics (formerly Invitae), Labcorp
Classification: Uncertain significance for Gorlin syndrome. Last evaluated: 2025-03-29. Review status: criteria provided, single submitter. Criteria: Invitae Variant Classification Sherloc (09022015). Collection method: clinical testing. Allele origin: germline.
Comment: This sequence change creates a premature translational stop signal (p.Gln578*) in the PTCH2 gene. It is expected to result in an absent or disrupted protein product. However, the current clinical and genetic evidence is not sufficient to establish whether loss-of-function variants in PTCH2 cause disease. This variant is not present in population databases (gnomAD no frequency). This variant has not been reported in the literature in individuals affected with PTCH2-related conditions. Algorithms developed to predict the effect of sequence changes on RNA splicing suggest that this variant may disrupt the consensus splice site. In summary, the available evidence is currently insufficient to determine the role of this variant in disease. Therefore, it has been classified as a Variant of Uncertain Significance.

NM_003738.5(PTCH2):c.1732C>T (p.Gln578Ter)

Gene: PTCH2 (patched 2; minus strand). Cytogenetic location: 1p34.1.
Variant type: single nucleotide variant.
Coding change: c.1732C>T on transcript NM_003738.5 (MANE Select); coding-DNA position 1732, C replaced by T.
Protein change: p.Gln578Ter; replaces glutamine 578 with a stop codon.
Molecular consequence: nonsense.
Genome position (GRCh38, 1-based): chr1:44,828,169, G>A on the plus strand (C>T on the coding strand, the complement: PTCH2 is on the minus strand). VCF-style: chr1-44828169-G-A. GRCh37 (hg19) VCF-style: chr1-45293841-G-A.
Other names: c.1732C>T, p.Gln578Ter (NM_001166292.2); short protein forms Q578*.
Identifiers: ClinVar variation 4716233 (VCV004716233.1).
Genomic context (GRCh38, chr1:44,828,169, plus strand): 5'-CAGTGAGGTGGGCAATGCCCACTGGTACTGTCCCGTCCCCCAGCTCCTGGGGCAGGATCT[G>A]AATCACCTGAGCAGAGCAGGGACTGGAAGAGGTAGAGAGTGGATGACAGGTCTGTGCCTT-3'